The following is an entry in ClinVar:

ClinVar aggregate classification (germline): Likely benign. Review status: criteria provided, multiple submitters, no conflicts (2 of 4 stars). 2 submissions from 2 submitters: Likely benign (2). Last evaluated 2026-07-01.

Allele frequency attached by ClinVar (database versions not stated): ESP Exome Variant Server 0.00008.
gnomAD v4.1: 75 of 1,596,732 alleles (0.0047%); highest among the groups gnomAD compares: Middle Eastern, 0.05%; no homozygotes.

Submissions (2):

CeGaT Center for Human Genetics Tuebingen
Classification: Likely benign. Last evaluated: 2026-07-01. Review status: criteria provided, single submitter. Criteria: CeGaT Center For Human Genetics Tuebingen Variant Classification Criteria Version 2. Collection method: clinical testing. Allele origin: germline. Affected: yes. Observed: 2 variant alleles.
Comment: TBC1D32: BP4, BP7

Labcorp Genetics (formerly Invitae), Labcorp
Classification: Likely benign. Last evaluated: 2025-02-28. Review status: criteria provided, single submitter. Criteria: Invitae Variant Classification Sherloc (09022015). Collection method: clinical testing. Allele origin: germline.

NM_152730.6(TBC1D32):c.1026G>C (p.Pro342=)

Gene: TBC1D32 (TBC1 domain family member 32; minus strand). Cytogenetic location: 6q22.31.
Variant type: single nucleotide variant.
Coding change: c.1026G>C on transcript NM_152730.6 (MANE Select); coding-DNA position 1026, G replaced by C.
Protein change: p.Pro342=; no amino-acid change (proline 342 retained).
Molecular consequence: synonymous variant. On other transcripts: non-coding transcript variant (1).
Genome position (GRCh38, 1-based): chr6:121,303,671, C>G on the plus strand (G>C on the coding strand, the complement: TBC1D32 is on the minus strand). VCF-style: chr6-121303671-C-G. GRCh37 (hg19) VCF-style: chr6-121624817-C-G.
Other names: c.1026G>C, p.Pro342= (NM_001367759.1, NM_001367760.1).
Identifiers: ClinVar variation 1905840 (VCV001905840.7), dbSNP rs374800522, ClinGen allele CA3981291.